The following is an entry in ClinVar:

NM_015274.3(MAN2B2):c.1843C>T (p.Gln615Ter)

Gene: MAN2B2 (mannosidase alpha class 2B member 2; plus strand). Cytogenetic location: 4p16.1.
Variant type: single nucleotide variant.
Coding change: c.1843C>T on transcript NM_015274.3 (MANE Select); coding-DNA position 1843, C replaced by T.
Protein change: p.Gln615Ter; replaces glutamine 615 with a stop codon.
Molecular consequence: nonsense.
Genome position (GRCh38, 1-based): chr4:6,609,135, C>T. VCF-style: chr4-6609135-C-T. GRCh37 (hg19) VCF-style: chr4-6610862-C-T.
Other names: c.1690C>T, p.Gln564Ter (NM_001292038.2); short protein forms Q564*, Q615*.
Identifiers: ClinVar variation 1801373 (VCV001801373.3), dbSNP rs745775933, ClinGen allele CA2841089.

ClinVar aggregate classification (germline): Conflicting classifications of pathogenicity. Review status: criteria provided, conflicting classifications (1 of 4 stars). 3 submissions from 3 submitters: Pathogenic (1); Likely pathogenic (1); Uncertain significance (1). Last evaluated 2026-08-06.

Conditions:
Congenital disorder of glycosylation type 1EE with or without immunodeficiency. Identifiers: Orphanet 695110, MedGen C6012707, MONDO:0976261, OMIM 621140.

Allele frequency attached by ClinVar (database versions not stated): gnomAD 0.00001; gnomAD exomes 0.00001; TOPMed 0.00001; ExAC 0.00002.
gnomAD v4.1: 12 of 1,614,014 alleles (0.00074%); highest among the groups gnomAD compares: South Asian, 0.0066%; no homozygotes.

Submissions (3):

OLLIN Analises Genomicas, OLLIN
Classification: Uncertain significance for Congenital disorder of glycosylation type 1EE with or without immunodeficiency. Last evaluated: 2026-08-06. Review status: criteria provided, single submitter. Criteria: ACMG Guidelines 2015 PMID 25741868. Collection method: clinical testing. Allele origin: germline.
Comment: This nonsense variant, located in exon 12 (of 19), has been reported in ClinVar (accession VCV001801373.2) and in gnomAD with an allele frequency of 0.00074%. However, to our knowledge, it has not been reported in the scientific literature. This variant introduces a premature stop codon, which is predicted to result in either a truncated protein or degradation of the mRNA via nonsense-mediated decay (NMD). According to the currently available evidence, this variant has been classified as uncertain significance (PM2_P).

Dasa
Classification: Pathogenic. Last evaluated: 2025-11-01. Review status: criteria provided, single submitter. Criteria: DASA Assertion Criteria. Collection method: clinical testing. Allele origin: germline.
Comment: NM_015274.3(MAN2B2):c.1843C>T (p.Gln615*) introduces a premature termination codon leading to truncation of the protein. Loss-of-function is an established mechanism of disease for this gene. The variant has been reported in individuals with congenital disorder of glycosylation type 1EE. It is present at low frequency in population datasets. Based on the available data, this variant is classified as pathogenic.

Institute for Genomic Statistics and Bioinformatics, University Hospital Bonn
Classification: Likely pathogenic. Review status: criteria provided, single submitter. Criteria: ACMG Guidelines, 2015. Collection method: not provided. Allele origin: germline. Inheritance: Autosomal recessive inheritance. Affected: yes.